The following is an entry in ClinVar:

NM_001614.5(ACTG1):c.445A>G (p.Thr149Ala)

Gene: ACTG1 (actin gamma 1; minus strand). Cytogenetic location: 17q25.3.
Variant type: single nucleotide variant.
Coding change: c.445A>G on transcript NM_001614.5 (MANE Select); coding-DNA position 445, A replaced by G.
Protein change: p.Thr149Ala; replaces threonine 149 with alanine.
Molecular consequence: missense variant. On other transcripts: non-coding transcript variant (1).
Genome position (GRCh38, 1-based): chr17:81,511,545, T>C on the plus strand (A>G on the coding strand, the complement: ACTG1 is on the minus strand). VCF-style: chr17-81511545-T-C. GRCh37 (hg19) VCF-style: chr17-79478571-T-C.
Other names: c.445A>G, p.Thr149Ala (NM_001199954.3); c.445A>G (NM_001614.3); short protein forms T149A.
Identifiers: ClinVar variation 1345334 (VCV001345334.6), dbSNP rs781968214, ClinGen allele CA8836073.

ClinVar aggregate classification (germline): Uncertain significance. Review status: criteria provided, multiple submitters, no conflicts (2 of 4 stars). 3 submissions from 3 submitters: Uncertain significance (3). Last evaluated 2025-01-30.

Conditions:
Autosomal dominant nonsyndromic hearing loss 20. Identifiers: Orphanet 90635, MedGen C1858172, MONDO:0011480, OMIM 604717.
Baraitser-winter syndrome 2. Identifiers: Orphanet 2995, MedGen C3281235, MONDO:0013812, OMIM 614583.

Allele frequency attached by ClinVar (database versions not stated): gnomAD exomes below 0.00001; ExAC 0.00001.
gnomAD v4.1: 1 of 1,613,806 alleles (0.000062%); highest among the groups gnomAD compares: South Asian, 0.0011%; no homozygotes.

Submissions (3):

GeneDx
Classification: Uncertain significance. Last evaluated: 2025-01-30. Review status: criteria provided, single submitter. Criteria: GeneDx Variant Classification Process June 2021. Collection method: clinical testing. Allele origin: germline. Affected: yes.
Comment: Missense variants in this gene are a common cause of disease and they are underrepresented in the general population; In silico analysis supports that this missense variant has a deleterious effect on protein structure/function; Has not been previously published as pathogenic or benign to our knowledge

Labcorp Genetics (formerly Invitae), Labcorp
Classification: Uncertain significance for Baraitser-winter syndrome 2; Autosomal dominant nonsyndromic hearing loss 20. Last evaluated: 2022-09-27. Review status: criteria provided, single submitter. Criteria: Invitae Variant Classification Sherloc (09022015). Collection method: clinical testing. Allele origin: germline.
Comment: This sequence change replaces threonine, which is neutral and polar, with alanine, which is neutral and non-polar, at codon 149 of the ACTG1 protein (p.Thr149Ala). This variant is present in population databases (rs781968214, gnomAD 0.003%). This variant has not been reported in the literature in individuals affected with ACTG1-related conditions. Advanced modeling of protein sequence and biophysical properties (such as structural, functional, and spatial information, amino acid conservation, physicochemical variation, residue mobility, and thermodynamic stability) performed at Invitae indicates that this missense variant is not expected to disrupt ACTG1 protein function. ClinVar contains an entry for this variant (Variation ID: 1345334). In summary, the available evidence is currently insufficient to determine the role of this variant in disease. Therefore, it has been classified as a Variant of Uncertain Significance.

Neuberg Centre For Genomic Medicine, NCGM
Classification: Uncertain significance for Autosomal dominant nonsyndromic hearing loss 20. Review status: criteria provided, single submitter. Criteria: ACMG Guidelines, 2015. Collection method: clinical testing. Allele origin: germline. Inheritance: Autosomal dominant inheritance. Affected: yes.
Comment: The missense variant p.T149A in ACTG1 (NM_001614.5) has not been reported previously as a pathogenic variant nor as a benign variant, to our knowledge. The p.T149A missense variant is predicted to be damaging by both SIFT and PolyPhen2. The threonine residue at codon 149 of ACTG1 is conserved in all mammalian species. The nucleotide c.445 in ACTG1 is predicted conserved by GERP++ and PhyloP across 100 vertebrates. For these reasons, this variant has been classified as Uncertain Significance.